The following is an entry in ClinVar:

ClinVar aggregate classification (germline): Benign. Review status: criteria provided, multiple submitters, no conflicts (2 of 4 stars). 3 submissions from 3 submitters: Benign (3). Last evaluated 2026-08-01.

Allele frequency attached by ClinVar (database versions not stated): 1000 Genomes Project 0.00160; 1000 Genomes Project 30x 0.00172; TOPMed 0.00461; gnomAD 0.00524 and 0.00525; gnomAD exomes 0.00712.
gnomAD v4.1: 6,053 of 899,640 alleles (0.67%); highest among the groups gnomAD compares: Non-Finnish European, 0.91%; 38 homozygotes.

Submissions (3):

CeGaT Center for Human Genetics Tuebingen
Classification: Benign. Last evaluated: 2026-08-01. Review status: criteria provided, single submitter. Criteria: CeGaT Center For Human Genetics Tuebingen Variant Classification Criteria Version 2. Collection method: clinical testing. Allele origin: germline. Affected: yes. Observed: 37 variant alleles.
Comment: SGCE: BS1, BS2

Athena Diagnostics
Classification: Benign. Last evaluated: 2019-04-01. Review status: criteria provided, single submitter. Criteria: Athena Diagnostics Criteria. Collection method: clinical testing. Allele origin: germline.

Breakthrough Genomics
Classification: Benign. Review status: criteria provided, single submitter. Criteria: ACMG Guidelines, 2015. Collection method: not provided. Allele origin: germline. Inheritance: Autosomal dominant inheritance. Affected: yes.

Literature cited by the submitters: PubMed 15679701 (cited by Athena Diagnostics); PubMed 15728306 (cited by Athena Diagnostics).

NM_003919.3(SGCE):c.391-79G>T

Genes: CASD1 (CAS1 domain sialic acid O acetyltransferase 1; plus strand), SGCE (sarcoglycan epsilon; minus strand). Cytogenetic location: 7q21.3.
Variant type: single nucleotide variant.
Coding change: c.391-79G>T on transcript NM_003919.3 (MANE Select); 79 bases into the intron before coding-DNA position 391, G replaced by T.
Molecular consequence: intron variant.
Genome position (GRCh38, 1-based): chr7:94,623,476, C>A on the plus strand (G>T on the coding strand, the complement: SGCE is on the minus strand). VCF-style: chr7-94623476-C-A. GRCh37 (hg19) VCF-style: chr7-94252788-C-A.
Other names: c.268-79G>T (NM_001362809.2, NM_001301139.2); c.391-79G>T (NM_001346717.2, NM_001099400.2, NM_001099401.2); c.499-79G>T (NM_001346715.2, NM_001346713.2); c.304-79G>T (NM_001362807.2, NM_001346719.2); c.118-79G>T (NM_001362808.2, NM_001346720.2).
Identifiers: ClinVar variation 805443 (VCV000805443.30), dbSNP rs545885131, ClinGen allele CA162938143.